The following is an entry in ClinVar:

NM_015981.4(CAMK2A):c.91G>T (p.Val31Leu)

Gene: CAMK2A (calcium/calmodulin dependent protein kinase II alpha; minus strand). Cytogenetic location: 5q32.
Variant type: single nucleotide variant.
Coding change: c.91G>T on transcript NM_015981.4 (MANE Select); coding-DNA position 91, G replaced by T.
Protein change: p.Val31Leu; replaces valine 31 with leucine.
Molecular consequence: missense variant.
Genome position (GRCh38, 1-based): chr5:150,273,131, C>A on the plus strand (G>T on the coding strand, the complement: CAMK2A is on the minus strand). VCF-style: chr5-150273131-C-A. GRCh37 (hg19) VCF-style: chr5-149652694-C-A.
Other names: c.91G>T, p.Val31Leu (NM_001363989.1, NM_001363990.1, NM_001369025.2 and 1 more transcripts); short protein forms V31L.
Identifiers: ClinVar variation 5020921 (VCV005020921.1).

ClinVar aggregate classification (germline): Uncertain significance (1 of 4 stars; one submission).

Submission:

Dasa
Classification: Uncertain significance. Last evaluated: 2025-07-05. Review status: criteria provided, single submitter. Criteria: DASA Assertion Criteria. Collection method: clinical testing. Allele origin: germline.
Comment: NM_015981.4(CAMK2A):c.91G>T (p.Val31Leu) is a missense variant that results in the substitution of valine with leucine. This variant is absent from population databases. Computational prediction algorithms are consistent with a benign effect. The currently available literature and clinical evidence are not sufficient to establish a definitive association between this variant and the reported condition. Therefore, this variant is classified as a variant of uncertain significance.